The following is an entry in ClinVar:

ClinVar aggregate classification (germline): Uncertain significance. Review status: criteria provided, multiple submitters, no conflicts (2 of 4 stars). 3 submissions from 3 submitters: Uncertain significance (3). Last evaluated 2024-11-13.

Conditions:
Hereditary cancer-predisposing syndrome. Also called: Hereditary neoplastic syndrome; Neoplastic Syndromes, Hereditary; Hereditary Cancer Syndrome; Tumor predisposition. Identifiers: Orphanet 140162, MedGen C0027672, MeSH D009386, MONDO:0015356.
Familial cancer of breast. Also called: Hereditary breast cancer; BREAST CANCER, FAMILIAL; hereditary breast carcinoma. Identifiers: Orphanet 227535, MedGen C0346153, MONDO:0016419, OMIM 114480. Disease mechanism: loss of function.

Submissions (3):

Color Diagnostics, LLC DBA Color Health
Classification: Uncertain significance for Hereditary cancer-predisposing syndrome. Last evaluated: 2024-11-13. Review status: criteria provided, single submitter. Criteria: ACMG Guidelines, 2015. Collection method: clinical testing. Allele origin: germline.
Comment: This missense variant replaces histidine with aspartic acid at codon 163 of the CHEK2 protein. Computational prediction is inconclusive regarding the impact of this variant on protein structure and function (internally defined REVEL score threshold 0.5 < inconclusive < 0.7, PMID: 27666373). To our knowledge, functional studies have not been reported for this variant. This variant has not been reported in individuals affected with CHEK2-related disorders in the literature. This variant has not been identified in the general population by the Genome Aggregation Database (gnomAD). The available evidence is insufficient to determine the role of this variant in disease conclusively. Therefore, this variant is classified as a Variant of Uncertain Significance.

Labcorp Genetics (formerly Invitae), Labcorp
Classification: Uncertain significance for Familial cancer of breast. Last evaluated: 2023-12-18. Review status: criteria provided, single submitter. Criteria: Invitae Variant Classification Sherloc (09022015). Collection method: clinical testing. Allele origin: germline.
Comment: This sequence change replaces histidine, which is basic and polar, with aspartic acid, which is acidic and polar, at codon 163 of the CHEK2 protein (p.His163Asp). This variant is not present in population databases (gnomAD no frequency). This variant has not been reported in the literature in individuals affected with CHEK2-related conditions. An algorithm developed to predict the effect of missense changes on protein structure and function (PolyPhen-2) suggests that this variant is likely to be disruptive. In summary, the available evidence is currently insufficient to determine the role of this variant in disease. Therefore, it has been classified as a Variant of Uncertain Significance.

Ambry Genetics
Classification: Uncertain significance for Hereditary cancer-predisposing syndrome. Last evaluated: 2023-10-05. Review status: criteria provided, single submitter. Criteria: Ambry Variant Classification Scheme 2023. Collection method: clinical testing. Allele origin: germline.
Comment: The p.H163D variant (also known as c.487C>G), located in coding exon 3 of the CHEK2 gene, results from a C to G substitution at nucleotide position 487. The histidine at codon 163 is replaced by aspartic acid, an amino acid with similar properties. This amino acid position is conserved. In addition, this alteration is predicted to be deleterious by in silico analysis. Since supporting evidence is limited at this time, the clinical significance of this alteration remains unclear.

NM_007194.4(CHEK2):c.487C>G (p.His163Asp)

Gene: CHEK2 (checkpoint kinase 2; minus strand). Cytogenetic location: 22q12.1.
Variant type: single nucleotide variant.
Coding change: c.487C>G on transcript NM_007194.4 (MANE Select); coding-DNA position 487, C replaced by G.
Protein change: p.His163Asp; replaces histidine 163 with aspartic acid.
Molecular consequence: missense variant. On other transcripts: 5 prime UTR variant (2), intron variant (1).
Genome position (GRCh38, 1-based): chr22:28,725,082, G>C on the plus strand (C>G on the coding strand, the complement: CHEK2 is on the minus strand). VCF-style: chr22-28725082-G-C. GRCh37 (hg19) VCF-style: chr22-29121070-G-C.
Other names: c.616C>G, p.His206Asp (NM_001005735.3, NM_001438294.1); c.-291C>G (NM_001257387.3); c.-177C>G (NM_001437942.1); c.580C>G, p.His194Asp (NM_001438293.1, NM_001438295.1); c.487C>G, p.His163Asp (NM_145862.3); c.445-159C>G (NM_001349956.3); short protein forms H206D, H163D, H194D.
Identifiers: ClinVar variation 2703854 (VCV002703854.4), dbSNP rs2518053605, ClinGen allele CA411107556.